The following is an entry in ClinVar:

NM_018006.5(TRMU):c.773-6C>T

Gene: TRMU (tRNA mitochondrial 2-thiouridylase; plus strand). Cytogenetic location: 22q13.31.
Variant type: single nucleotide variant.
Coding change: c.773-6C>T on transcript NM_018006.5 (MANE Select); 6 bases into the intron before coding-DNA position 773, C replaced by T.
Molecular consequence: intron variant.
Genome position (GRCh38, 1-based): chr22:46,353,761, C>T. VCF-style: chr22-46353761-C-T. GRCh37 (hg19) VCF-style: chr22-46749658-C-T.
Other names: p.?; c.773-6C>T (NM_001282785.2); c.431-6C>T (NM_001282782.2); c.353-6C>T (NM_001282783.2, NM_001282784.2).
Identifiers: ClinVar variation 1581578 (VCV001581578.9), dbSNP rs375373378, ClinGen allele CA10292242.

ClinVar aggregate classification (germline): Likely benign. Review status: criteria provided, multiple submitters, no conflicts (2 of 4 stars). 2 submissions from 2 submitters: Likely benign (2). Last evaluated 2025-07-30.

Allele frequency attached by ClinVar (database versions not stated): gnomAD exomes below 0.00001 and 0.00001; ExAC 0.00002; gnomAD 0.00002 and 0.00003; ESP Exome Variant Server 0.00008.
gnomAD v4.1: 5 of 1,613,292 alleles (0.00031%); highest among the groups gnomAD compares: African/African-American, 0.0067%; no homozygotes.

Submissions (2):

Mayo Clinic Laboratories, Mayo Clinic
Classification: Likely benign. Last evaluated: 2025-07-30. Review status: criteria provided, single submitter. Criteria: ACMG Guidelines, 2015. Collection method: clinical testing. Allele origin: germline. Observed: 1 variant allele.
Comment: BP4, BP7, PM2_supporting

Labcorp Genetics (formerly Invitae), Labcorp
Classification: Likely benign. Last evaluated: 2023-07-03. Review status: criteria provided, single submitter. Criteria: Invitae Variant Classification Sherloc (09022015). Collection method: clinical testing. Allele origin: germline.